The following is an entry in ClinVar:

NM_000518.5(HBB):c.162del (p.Val55fs)

Genes: HBB (hemoglobin subunit beta; minus strand), LOC106099062 (HBB recombination region; plus strand), LOC107133510 (origin of replication at HBB; plus strand). Cytogenetic location: 11p15.4.
Variant type: Deletion.
Coding change: c.162del on transcript NM_000518.5 (MANE Select); coding-DNA position 162, one base deleted (T; older notation c.162delT).
Protein change: p.Val55fs; shifts the reading frame from valine 55.
Molecular consequence: frameshift variant.
Genome position (GRCh38, 1-based): chr11:5,226,730, A deleted on the plus strand (T on the coding strand, the reverse complement: HBB is on the minus strand). VCF-style (leftmost placement, unchanged base first): chr11-5226729-CA-C. GRCh37 (hg19) VCF-style: chr11-5247959-CA-C.
Other names: short protein forms V55fs.
Identifiers: ClinVar variation 439137 (VCV000439137.6), dbSNP rs1554917935, ClinGen allele CA645509062.

ClinVar aggregate classification (germline): Pathogenic. Review status: criteria provided, multiple submitters, no conflicts (2 of 4 stars). 2 submissions from 2 submitters: Pathogenic (2). Last evaluated 2025-10-12.

Submissions (2):

Quest Diagnostics Nichols Institute San Juan Capistrano
Classification: Pathogenic. Last evaluated: 2025-10-12. Review status: criteria provided, single submitter. Criteria: Quest Diagnostics criteria. Collection method: clinical testing. Allele origin: unknown.
Comment: The HBB c.162del (p.Val55Leufs*7)(also known as CD 53 (-T)) variant alters the translational reading frame of the HBB mRNA and causes the premature termination of HBB protein synthesis. This variant has been reported in the published literature in heterozygous individuals with moderate anemia and elevated hemoglobin A2 levels and is reported to possibly result in mild thalassemia intermedia (PMID: 18381244 (2008)). This variant has not been reported in large, multi-ethnic general populations (Genome Aggregation Database). Based on the available information, this variant is classified as pathogenic.

ARUP Laboratories, Molecular Genetics and Genomics, ARUP Laboratories
Classification: Pathogenic. Last evaluated: 2022-11-18. Review status: criteria provided, single submitter. Criteria: ARUP Molecular Germline Variant Investigation Process 2021. Collection method: clinical testing. Allele origin: germline.
Comment: The HBB c.162delT; p.Val55LeufsTer7 variant (also known as codon 53 (-T), or Val54fs when numbered from the mature protein, rs1554917935) is reported in a family affected with beta thalassemia intermedia, and is inherited in a dominant fashion in this large family (Yi 2008). This variant is also reported in ClinVar (Variation ID: 439137), but is absent from the Genome Aggregation Database, indicating it is not a common polymorphism. This variant causes a frameshift by deleting a single nucleotide, so it is predicted to result in a truncated protein or mRNA subject to nonsense-mediated decay. Based on available information, this variant is considered to be pathogenic. References: Yi P et al. Identification of a novel frameshift mutation at codon 53 (-T) in the beta-globin gene causing dominantly inherited beta-thalassemia in a Chinese Miao family. Blood Cells Mol Dis. 2008 Jul-Aug;41(1):56-9. PMID: 18381244.

Literature cited by the submitters: PubMed 18381244 (cited by Quest Diagnostics Nichols Institute San Juan Capistrano).